The following is an entry in ClinVar:

NM_005876.5(SPEG):c.3918del (p.Arg1307fs)

Gene: SPEG (striated muscle enriched protein kinase; plus strand). Cytogenetic location: 2q35.
Variant type: Deletion.
Coding change: c.3918del on transcript NM_005876.5 (MANE Select); coding-DNA position 3918, one base deleted (C; older notation c.3918delC).
Protein change: p.Arg1307fs; shifts the reading frame from arginine 1307.
Molecular consequence: frameshift variant.
Genome position (GRCh38, 1-based): chr2:219,472,309, C deleted; the last of 7 consecutive C bases (chr2:219,472,303-219,472,309); deleting any one gives the same sequence. VCF-style (leftmost placement, unchanged base first): chr2-219472302-AC-A. GRCh37 (hg19) VCF-style: chr2-220337024-AC-A.
Other names: short protein forms R1307fs.
Identifiers: ClinVar variation 2808222 (VCV002808222.3), dbSNP rs771765677, ClinGen allele CA2126332.

ClinVar aggregate classification (germline): Pathogenic (1 of 4 stars; one submission).

Submission:

Labcorp Genetics (formerly Invitae), Labcorp
Classification: Pathogenic. Last evaluated: 2024-10-24. Review status: criteria provided, single submitter. Criteria: Invitae Variant Classification Sherloc (09022015). Collection method: clinical testing. Allele origin: germline.
Comment: This sequence change creates a premature translational stop signal (p.Arg1307Glyfs*12) in the SPEG gene. It is expected to result in an absent or disrupted protein product. Loss-of-function variants in SPEG are known to be pathogenic (PMID: 19118250, 25087613). The frequency data for this variant in the population databases is considered unreliable, as metrics indicate poor data quality at this position in the gnomAD database. This variant has not been reported in the literature in individuals affected with SPEG-related conditions. For these reasons, this variant has been classified as Pathogenic.

Literature cited by the submitters: PubMed 19118250; PubMed 25087613.